The following is an entry in ClinVar:

ClinVar aggregate classification (germline): Uncertain significance (1 of 4 stars; one submission).

Allele frequency attached by ClinVar (database versions not stated): gnomAD exomes below 0.00001; TOPMed below 0.00001.

Submission:

Women's Health and Genetics/Laboratory Corporation of America, LabCorp
Classification: Uncertain significance. Last evaluated: 2023-08-11. Review status: criteria provided, single submitter. Criteria: LabCorp Variant Classification Summary - May 2015. Collection method: clinical testing. Allele origin: germline.
Comment: Variant summary: MTTP c.2125G>A (p.Gly709Arg) results in a non-conservative amino acid change located in the lipid-binding domain (IPR045811) of the encoded protein sequence. Five of five in-silico tools predict a damaging effect of the variant on protein function. Additionally, several computational tools predict a significant impact on normal splicing: four predict the variant creates a 3' acceptor site. However, these predictions have yet to be confirmed by functional studies. The variant was absent in 251290 control chromosomes (gnomAD). c.2125G>A has been reported in the literature in at least two compound heterozygous siblings affected with Abetalipoproteinaemia (Bassen-Kornzweig Syndrome) (e.g., Takahashi_2021). These data indicate that the variant may be associated with disease. To our knowledge, no experimental evidence demonstrating an impact on protein function has been reported. The following publication was ascertained in the context of this evaluation (PMID: 34052173). No submitters have reported clinical-significance assessments for this variant to ClinVar after 2014. Based on the evidence outlined above, the variant was classified as VUS-possibly pathogenic.

Literature cited by the submitters: PubMed 34052173.

NM_001386140.1(MTTP):c.2125G>A (p.Gly709Arg)

Gene: MTTP (microsomal triglyceride transfer protein; plus strand). Cytogenetic location: 4q23.
Variant type: single nucleotide variant.
Coding change: c.2125G>A on transcript NM_001386140.1 (MANE Select); coding-DNA position 2125, G replaced by A.
Protein change: p.Gly709Arg; replaces glycine 709 with arginine.
Molecular consequence: missense variant.
Genome position (GRCh38, 1-based): chr4:99,613,048, G>A. VCF-style: chr4-99613048-G-A. GRCh37 (hg19) VCF-style: chr4-100534205-G-A.
Other names: c.2125G>A, p.Gly709Arg (NM_000253.4); c.1876G>A, p.Gly626Arg (NM_001300785.2); short protein forms G626R, G709R.
Identifiers: ClinVar variation 2581652 (VCV002581652.1), dbSNP rs1726001209, ClinGen allele CA357517172.